The following is an entry in ClinVar:

NM_001035.3(RYR2):c.5279G>C (p.Arg1760Pro)

Gene: RYR2 (ryanodine receptor 2; plus strand). Cytogenetic location: 1q43.
Variant type: single nucleotide variant.
Coding change: c.5279G>C on transcript NM_001035.3 (MANE Select); coding-DNA position 5279, G replaced by C.
Protein change: p.Arg1760Pro; replaces arginine 1760 with proline.
Molecular consequence: missense variant.
Genome position (GRCh38, 1-based): chr1:237,614,407, G>C. VCF-style: chr1-237614407-G-C. GRCh37 (hg19) VCF-style: chr1-237777707-G-C.
Other names: short protein forms R1760P.
Identifiers: ClinVar variation 859087 (VCV000859087.16), dbSNP rs765106198, ClinGen allele CA345404681.

ClinVar aggregate classification (germline): Uncertain significance. Review status: criteria provided, multiple submitters, no conflicts (2 of 4 stars). 5 submissions from 5 submitters: Uncertain significance (5). Last evaluated 2025-09-26.

Conditions:
Cardiomyopathy (CMYO). Also called: Cardiomyopathies. Identifiers: Orphanet 167848, MedGen C0878544, MONDO:0004994, HP:0001638. Inheritance: Various modes of inheritance.
Cardiovascular phenotype. Identifiers: MedGen CN230736.
Catecholaminergic polymorphic ventricular tachycardia (CVPT). Also called: Catecholamine-induced polymorphic ventricular tachycardia. Identifiers: Orphanet 3286, MedGen C5574922, MONDO:0017990.
Catecholaminergic polymorphic ventricular tachycardia 1. Also called: VENTRICULAR TACHYCARDIA, CATECHOLAMINERGIC POLYMORPHIC, 1, WITH OR WITHOUT ATRIAL DYSFUNCTION AND/OR DILATED CARDIOMYOPATHY; VENTRICULAR TACHYCARDIA, STRESS-INDUCED POLYMORPHIC 1; RYR2-Related Catecholaminergic Polymorphic Ventricular Tachycardia. Identifiers: Orphanet 3286, MedGen C1631597, MONDO:0011484, OMIM 604772.

Allele frequency attached by ClinVar (database versions not stated): TOPMed 0.00001.
gnomAD v4.1: 18 of 1,613,850 alleles (0.0011%); highest among the groups gnomAD compares: Non-Finnish European, 0.0015%; no homozygotes.

Submissions (5):

Labcorp Genetics (formerly Invitae), Labcorp
Classification: Uncertain significance for Catecholaminergic polymorphic ventricular tachycardia 1. Last evaluated: 2025-09-26. Review status: criteria provided, single submitter. Criteria: Invitae Variant Classification Sherloc (09022015). Collection method: clinical testing. Allele origin: germline.
Comment: This sequence change replaces arginine, which is basic and polar, with proline, which is neutral and non-polar, at codon 1760 of the RYR2 protein (p.Arg1760Pro). This variant is not present in population databases (gnomAD no frequency). This variant has not been reported in the literature in individuals affected with RYR2-related conditions. ClinVar contains an entry for this variant (Variation ID: 859087). Invitae Evidence Modeling of protein sequence and biophysical properties (such as structural, functional, and spatial information, amino acid conservation, physicochemical variation, residue mobility, and thermodynamic stability) indicates that this missense variant is not expected to disrupt RYR2 protein function with a negative predictive value of 95%. In summary, the available evidence is currently insufficient to determine the role of this variant in disease. Therefore, it has been classified as a Variant of Uncertain Significance.

Color Diagnostics, LLC DBA Color Health
Classification: Uncertain significance for Cardiomyopathy. Last evaluated: 2024-03-06. Review status: criteria provided, single submitter. Criteria: ACMG Guidelines, 2015. Collection method: clinical testing. Allele origin: germline.
Comment: This missense variant replaces arginine with proline at codon 1760 of the RYR2 protein. Computational prediction suggests that this variant may not impact protein structure and function (internally defined REVEL score threshold <= 0.5, PMID: 27666373). To our knowledge, functional studies have not been reported for this variant. This variant has not been reported in individuals affected with cardiovascular disorders in the literature. This variant has not been identified in the general population by the Genome Aggregation Database (gnomAD). The available evidence is insufficient to determine the role of this variant in disease conclusively. Therefore, this variant is classified as a Variant of Uncertain Significance.

All of Us Research Program, National Institutes of Health
Classification: Uncertain significance for Catecholaminergic polymorphic ventricular tachycardia. Last evaluated: 2024-02-22. Review status: criteria provided, single submitter. Criteria: ACMG Guidelines, 2015. Collection method: clinical testing. Allele origin: germline. Inheritance: Autosomal dominant inheritance. Observed: 5 variant alleles, 5 heterozygotes.
Comment: This missense variant replaces arginine with proline at codon 1760 of the RYR2 protein. Computational prediction suggests that this variant may not impact protein structure and function (internally defined REVEL score threshold <= 0.5, PMID: 27666373). To our knowledge, functional studies have not been reported for this variant. This variant has not been reported in individuals affected with cardiovascular disorders in the literature. This variant has not been identified in the general population by the Genome Aggregation Database (gnomAD). The available evidence is insufficient to determine the role of this variant in disease conclusively. Therefore, this variant is classified as a Variant of Uncertain Significance.

This study involves interpretation of variants in research participants for the purpose of population health screening. Participant phenotype was not available at the time of variant classification. Additional details can be found in publication PMID: 35346344, PMCID: PMC8962531

Ambry Genetics
Classification: Uncertain significance for Cardiovascular phenotype. Last evaluated: 2023-07-17. Review status: criteria provided, single submitter. Criteria: Ambry Variant Classification Scheme 2023. Collection method: clinical testing. Allele origin: germline.
Comment: The p.R1760P variant (also known as c.5279G>C), located in coding exon 37 of the RYR2 gene, results from a G to C substitution at nucleotide position 5279. The arginine at codon 1760 is replaced by proline, an amino acid with dissimilar properties. This amino acid position is well conserved in available vertebrate species. In addition, the in silico prediction for this alteration is inconclusive. Since supporting evidence is limited at this time, the clinical significance of this alteration remains unclear.

GeneDx
Classification: Uncertain significance. Last evaluated: 2023-04-18. Review status: criteria provided, single submitter. Criteria: GeneDx Variant Classification Process June 2021. Collection method: clinical testing. Allele origin: germline. Affected: yes.
Comment: Has not been previously published as pathogenic or benign to our knowledge; Not observed at significant frequency in large population cohorts (gnomAD); In silico analysis supports that this missense variant does not alter protein structure/function; Not located in one of the three hot-spot regions of the RYR2 gene, where the majority of pathogenic missense variants occur (Medeiros-Domingo et al., 2009)